The following is an entry in ClinVar:

NM_004526.4(MCM2):c.619G>A (p.Val207Ile)

Gene: MCM2 (minichromosome maintenance complex component 2; plus strand). Cytogenetic location: 3q21.3.
Variant type: single nucleotide variant.
Coding change: c.619G>A on transcript NM_004526.4 (MANE Select); coding-DNA position 619, G replaced by A.
Protein change: p.Val207Ile; replaces valine 207 with isoleucine.
Molecular consequence: missense variant. On other transcripts: non-coding transcript variant (1).
Genome position (GRCh38, 1-based): chr3:127,605,102, G>A. VCF-style: chr3-127605102-G-A. GRCh37 (hg19) VCF-style: chr3-127323945-G-A.
Other names: short protein forms V207I.
Identifiers: ClinVar variation 4977209 (VCV004977209.1).
Genomic context (GRCh38, chr3:127,605,102, plus strand): 5'-AGCATGGCGGGCCCCCGGCTGGAGATCCACCACCGCTTCAAGAACTTCCTGCGCACTCAC[G>A]TCGACAGCCACGGCCACAACGTCTTCAAGGAGCGCATCAGCGACATGTGCAAAGGTGTGG-3'
Protein context (NP_004517.2, residues 197-217): HRFKNFLRTH[Val207Ile]DSHGHNVFKE

ClinVar aggregate classification (germline): Uncertain significance (1 of 4 stars; one submission).

Conditions:
MCM2-related disorder. Also called: MCM2-related condition.

gnomAD v4.1: 14 of 1,613,892 alleles (0.00087%); highest among the groups gnomAD compares: Admixed American, 0.0083%; no homozygotes.

Submission:

PreventionGenetics, part of Exact Sciences
Classification: Uncertain significance for MCM2-related condition. Last evaluated: 2026-04-19. Review status: criteria provided, single submitter. Criteria: ACMG Guidelines, 2015. Collection method: clinical testing. Allele origin: germline.
Comment: The MCM2 c.619G>A variant is predicted to result in the amino acid substitution p.Val207Ile. To our knowledge, this variant has not been reported in the literature. This variant is reported in 0.0087% of alleles in individuals of Latino descent in gnomAD. At this time, the clinical significance of this variant is uncertain due to the absence of conclusive functional and genetic evidence.